The following is an entry in ClinVar:

NM_004329.3(BMPR1A):c.441_458delinsGA (p.Phe147fs)

Gene: BMPR1A (bone morphogenetic protein receptor type 1A; plus strand). Cytogenetic location: 10q23.2.
Variant type: Indel.
Coding change: c.441_458delinsGA on transcript NM_004329.3 (MANE Select); coding-DNA positions 441 to 458, TGATGGCAGCATTCGATG replaced by GA.
Protein change: p.Phe147fs; shifts the reading frame from phenylalanine 147.
Molecular consequence: frameshift variant.
Genome position (GRCh38, 1-based): chr10:86,900,037-86,900,054, TGATGGCAGCATTCGATG replaced by GA. VCF-style: chr10-86900037-TGATGGCAGCATTCGATG-GA. GRCh37 (hg19) VCF-style: chr10-88659794-TGATGGCAGCATTCGATG-GA.
Other names: c.441_458del18insGA (NM_004329.2); short protein forms F147fs.
Identifiers: ClinVar variation 429100 (VCV000429100.12), dbSNP rs1131691179, ClinGen allele CA645369424.
Genomic context (GRCh38, chr10:86,900,037, plus strand): 5'-CAGATTATTTTTTCATTTCAATTGTTTACATTGTTTACTTTTATTGTCAGGTCCGTTTTT[TGATGGCAGCATTCGATG>GA]GCTGGTTTTGCTCATTTCTATGGCTGTCTGCATAATTGCTATGATCATCTTCTCCAGCTG-3'

ClinVar aggregate classification (germline): Pathogenic. Review status: criteria provided, multiple submitters, no conflicts (2 of 4 stars). 2 submissions from 2 submitters: Pathogenic (2). Last evaluated 2023-07-03.

Conditions:
Juvenile polyposis syndrome (JPS). Identifiers: Orphanet 2929, MedGen C0345893, MONDO:0017380, OMIM 174900.
Hereditary cancer-predisposing syndrome. Also called: Hereditary neoplastic syndrome; Tumor predisposition; Neoplastic Syndromes, Hereditary; Hereditary Cancer Syndrome. Identifiers: Orphanet 140162, MedGen C0027672, MeSH D009386, MONDO:0015356.

Submissions (2):

Labcorp Genetics (formerly Invitae), Labcorp
Classification: Pathogenic for Juvenile polyposis syndrome. Last evaluated: 2023-07-03. Review status: criteria provided, single submitter. Criteria: Invitae Variant Classification Sherloc (09022015). Collection method: clinical testing. Allele origin: germline.
Comment: For these reasons, this variant has been classified as Pathogenic. This variant has not been reported in the literature in individuals affected with BMPR1A-related conditions. Information on the frequency of this variant in the gnomAD database is not available, as this variant may be reported differently in the database. This sequence change creates a premature translational stop signal (p.Phe147Leufs*13) in the BMPR1A gene. It is expected to result in an absent or disrupted protein product. Loss-of-function variants in BMPR1A are known to be pathogenic (PMID: 11536076, 12417513).

Ambry Genetics
Classification: Pathogenic for Hereditary cancer-predisposing syndrome. Last evaluated: 2018-10-31. Review status: criteria provided, single submitter. Criteria: Ambry Variant Classification Scheme 2023. Collection method: clinical testing. Allele origin: germline.
Comment: The c.441_458del18insGA pathogenic mutation, located in coding exon 5 of the BMPR1A gene, results from the deletion of 18 nucleotides and insertion of two nucleotides at positions 441 to 458, causing a translational frameshift with a predicted alternate stop codon (p.F147Lfs*13). This alteration is expected to result in loss of function by premature protein truncation or nonsense-mediated mRNA decay. As such, this alteration is interpreted as a disease-causing mutation.

Literature cited by the submitters: PubMed 11536076 (cited by Labcorp Genetics (formerly Invitae), Labcorp); PubMed 12417513 (cited by Labcorp Genetics (formerly Invitae), Labcorp).